The following is an entry in ClinVar:

ClinVar aggregate classification (germline): Conflicting classifications of pathogenicity. Review status: criteria provided, conflicting classifications (1 of 4 stars). 3 submissions from 3 submitters: Likely pathogenic (2); Uncertain significance (1). Last evaluated 2025-08-29.

Conditions:
Hypophosphatasia. Also called: Phosphoethanol-aminuria. Identifiers: Orphanet 436, MedGen C0020630, MeSH D007014, MONDO:0018570.
Infantile hypophosphatasia. Identifiers: Orphanet 247651, Orphanet 436, MedGen C0268412, MONDO:1010169, OMIM 241500, MONDO:0009427.

Submissions (3):

Genomenon, Inc
Classification: Likely pathogenic for Hypophosphatasia. Last evaluated: 2025-08-29. Review status: criteria provided, single submitter. Criteria: Genomenon Sequence Variant Interpretation Standards. Collection method: curation. Allele origin: germline. Affected: yes.
Comment: ALPL His379Gln (c.1137T>G) is a missense variant that changes the amino acid at residue 379 from Histidine to Glutamine. This variant has been observed in at least one proband affected with hypophosphatasia (PMID:39278219). It is absent or not present at a significant frequency in gnomAD. In silico models agree that this variant is possibly or probably damaging. The presence of pathogenic missense variant(s) at the same amino acid position indicates that this residue is likely important for protein function. In conclusion, we classify ALPL p.His379Gln (c.1137T>G) as a likely pathogenic variant.

Labcorp Genetics (formerly Invitae), Labcorp
Classification: Likely pathogenic. Last evaluated: 2024-05-31. Review status: criteria provided, single submitter. Criteria: Invitae Variant Classification Sherloc (09022015). Collection method: clinical testing. Allele origin: germline.
Comment: This sequence change replaces histidine, which is basic and polar, with glutamine, which is neutral and polar, at codon 379 of the ALPL protein (p.His379Gln). This variant is not present in population databases (gnomAD no frequency). This missense change has been observed in individual(s) with clinical features of hypophosphatasia (Invitae). It has also been observed to segregate with disease in related individuals. Advanced modeling of protein sequence and biophysical properties (such as structural, functional, and spatial information, amino acid conservation, physicochemical variation, residue mobility, and thermodynamic stability) performed at Invitae indicates that this missense variant is expected to disrupt ALPL protein function with a positive predictive value of 95%. In summary, the currently available evidence indicates that the variant is pathogenic, but additional data are needed to prove that conclusively. Therefore, this variant has been classified as Likely Pathogenic.

Pittsburgh Clinical Genomics Laboratory, University of Pittsburgh Medical Center
Classification: Uncertain significance for Infantile hypophosphatasia. Last evaluated: 2024-05-15. Review status: criteria provided, single submitter. Criteria: ACMG Guidelines, 2015. Collection method: clinical testing. Allele origin: germline. Inheritance: Autosomal unknown. Affected: yes.
Comment: This sequence variant is a single nucleotide substitution (T>G) at position 1137 of the coding sequence of the ALPL gene that results in a histidine to glutamine amino acid change at residue 379 of the alkaline phosphatase, biomineralization associated protein. This residue binds to zinc ions in the alkaline phosphatase active site (PMID: 25023282) which is required for proper alkaline phosphatase function. This is a previously reported variant (ClinVar 2839595) that has not been observed in individuals affected by an ALPL-related disorder in the published literature, to our knowledge. This variant is absent from the gnomAD v4.0.0 population database (0 of 833,111 alleles). Multiple bioinformatic tools predict that this amino acid change would be damaging, and the His379 residue at this position is highly conserved across the vertebrate species examined. Autosomal dominant inheritance transmission of hypophosphatasia via missense mutations with dominant negative effects have been reported (PMID: 19500388). However, studies examining the functional consequence of this variant have not been published, to our knowledge. Based upon the evidence, we consider this a variant of uncertain significance. ACMG Criteria: PM2, PP2, PP3, PP4

Literature cited by the submitters: PubMed 39278219 (cited by Genomenon, Inc); PubMed 25023282 (cited by Pittsburgh Clinical Genomics Laboratory, University of Pittsburgh Medical Center); PubMed 19500388 (cited by Pittsburgh Clinical Genomics Laboratory, University of Pittsburgh Medical Center).

NM_000478.6(ALPL):c.1137T>G (p.His379Gln)

Gene: ALPL (alkaline phosphatase, biomineralization associated; plus strand). Cytogenetic location: 1p36.12.
Variant type: single nucleotide variant.
Coding change: c.1137T>G on transcript NM_000478.6 (MANE Select); coding-DNA position 1137, T replaced by G.
Protein change: p.His379Gln; replaces histidine 379 with glutamine.
Molecular consequence: missense variant.
Genome position (GRCh38, 1-based): chr1:21,575,872, T>G. VCF-style: chr1-21575872-T-G. GRCh37 (hg19) VCF-style: chr1-21902365-T-G.
Other names: c.972T>G, p.His324Gln (NM_001127501.4); c.906T>G, p.His302Gln (NM_001177520.3); c.1137T>G, p.His379Gln (NM_001369803.2, NM_001369804.2, NM_001369805.2); short protein forms H302Q, H324Q, H379Q.
Identifiers: ClinVar variation 2839595 (VCV002839595.5), dbSNP rs1002385454, ClinGen allele CA338881362.
Genomic context (GRCh38, chr1:21,575,872, plus strand): 5'-CGGGCAGGCAGGCAGCTTGACCTCCTCGGAAGACACTCTGACCGTGGTCACTGCGGACCA[T>G]TCCCACGTCTTCACATTTGGTGGATACACCCCCCGTGGCAACTCTATCTTTGGTAGGTGG-3'
Protein context (NP_000469.3, residues 369-389): EDTLTVVTAD[His379Gln]SHVFTFGGYT